The following is an entry in ClinVar:

ClinVar aggregate classification (germline): Uncertain significance. Review status: criteria provided, multiple submitters, no conflicts (2 of 4 stars). 2 submissions from 2 submitters: Uncertain significance (2). Last evaluated 2024-12-15.

Submissions (2):

Labcorp Genetics (formerly Invitae), Labcorp
Classification: Uncertain significance. Last evaluated: 2024-12-15. Review status: criteria provided, single submitter. Criteria: Invitae Variant Classification Sherloc (09022015). Collection method: clinical testing. Allele origin: germline.
Comment: This sequence change replaces arginine, which is basic and polar, with histidine, which is basic and polar, at codon 112 of the MRAS protein (p.Arg112His). This variant is not present in population databases (gnomAD no frequency). This variant has not been reported in the literature in individuals affected with MRAS-related conditions. ClinVar contains an entry for this variant (Variation ID: 2654189). An algorithm developed to predict the effect of missense changes on protein structure and function (PolyPhen-2) suggests that this variant is likely to be disruptive. In summary, the available evidence is currently insufficient to determine the role of this variant in disease. Therefore, it has been classified as a Variant of Uncertain Significance.

CeGaT Center for Human Genetics Tuebingen
Classification: Uncertain significance. Last evaluated: 2023-01-01. Review status: criteria provided, single submitter. Criteria: CeGaT Center For Human Genetics Tuebingen Variant Classification Criteria Version 2. Collection method: clinical testing. Allele origin: germline. Affected: yes. Observed: 1 variant allele.
Comment: MRAS: PM2, PP3

NM_001085049.3(MRAS):c.335G>A (p.Arg112His)

Gene: MRAS (muscle RAS oncogene homolog; plus strand). Cytogenetic location: 3q22.3.
Variant type: single nucleotide variant.
Coding change: c.335G>A on transcript NM_001085049.3 (MANE Select); coding-DNA position 335, G replaced by A.
Protein change: p.Arg112His; replaces arginine 112 with histidine.
Molecular consequence: missense variant.
Genome position (GRCh38, 1-based): chr3:138,397,465, G>A. VCF-style: chr3-138397465-G-A. GRCh37 (hg19) VCF-style: chr3-138116307-G-A.
Other names: c.107G>A, p.Arg36His (NM_001252091.1, NM_001252092.2, NM_001252093.2); c.335G>A, p.Arg112His (NM_012219.4, NM_001252090.2); short protein forms R112H, R36H.
Identifiers: ClinVar variation 2654189 (VCV002654189.26), dbSNP rs2474153196, ClinGen allele CA354673311.
Genomic context (GRCh38, chr3:138,397,465, plus strand): 5'-ACTCCGTCACTGACAAGGCCAGCTTTGAGCACGTGGACCGCTTCCACCAGCTTATCCTGC[G>A]CGTCAAAGACAGGTGAGCATCAAAGACAGGTGAGAGTACCGGGAAGAGGCCTGCGCCTGC-3'
Protein context (NP_001078518.1, residues 102-122): HVDRFHQLIL[Arg112His]VKDRESFPMI